The following is an entry in ClinVar:

NM_012233.3(RAB3GAP1):c.2332C>T (p.Arg778Trp)

Gene: RAB3GAP1 (RAB3 GTPase activating protein catalytic subunit 1; plus strand). Cytogenetic location: 2q21.3.
Variant type: single nucleotide variant.
Coding change: c.2332C>T on transcript NM_012233.3 (MANE Select); coding-DNA position 2332, C replaced by T.
Protein change: p.Arg778Trp; replaces arginine 778 with tryptophan.
Molecular consequence: missense variant.
Genome position (GRCh38, 1-based): chr2:135,162,597, C>T. VCF-style: chr2-135162597-C-T. GRCh37 (hg19) VCF-style: chr2-135920167-C-T.
Other names: c.2332C>T, p.Arg778Trp (NM_001172435.2); c.2332C>T (NM_012233.2); short protein forms R778W.
Identifiers: ClinVar variation 2041596 (VCV002041596.2), dbSNP rs747631403, ClinGen allele CA1885046.

ClinVar aggregate classification (germline): Uncertain significance. Review status: criteria provided, multiple submitters, no conflicts (2 of 4 stars). 2 submissions from 2 submitters: Uncertain significance (2). Last evaluated 2024-08-19.

Conditions:
Inborn genetic diseases. Identifiers: MedGen C0950123, MeSH D030342.

Allele frequency attached by ClinVar (database versions not stated): ExAC 0.00002; gnomAD 0.00002; gnomAD exomes 0.00002; TOPMed 0.00002.
gnomAD v4.1: 34 of 1,613,926 alleles (0.0021%); highest among the groups gnomAD compares: Admixed American, 0.013%; no homozygotes.

Submissions (2):

Ambry Genetics
Classification: Uncertain significance for Inborn genetic diseases. Last evaluated: 2024-08-19. Review status: criteria provided, single submitter. Criteria: Ambry Variant Classification Scheme 2023. Collection method: clinical testing. Allele origin: germline.

Labcorp Genetics (formerly Invitae), Labcorp
Classification: Uncertain significance. Last evaluated: 2022-08-08. Review status: criteria provided, single submitter. Criteria: Invitae Variant Classification Sherloc (09022015). Collection method: clinical testing. Allele origin: germline.
Comment: This sequence change replaces arginine, which is basic and polar, with tryptophan, which is neutral and slightly polar, at codon 778 of the RAB3GAP1 protein (p.Arg778Trp). This variant is present in population databases (rs747631403, gnomAD 0.01%). This variant has not been reported in the literature in individuals affected with RAB3GAP1-related conditions. Algorithms developed to predict the effect of missense changes on protein structure and function are either unavailable or do not agree on the potential impact of this missense change (SIFT: "Deleterious"; PolyPhen-2: "Possibly Damaging"; Align-GVGD: "Class C15"). In summary, the available evidence is currently insufficient to determine the role of this variant in disease. Therefore, it has been classified as a Variant of Uncertain Significance.